The following is an entry in ClinVar:

NM_018075.5(ANO10):c.1571T>G (p.Leu524Ter)

Gene: ANO10 (anoctamin 10; minus strand). Cytogenetic location: 3p22.1.
Variant type: single nucleotide variant.
Coding change: c.1571T>G on transcript NM_018075.5 (MANE Select); coding-DNA position 1571, T replaced by G.
Protein change: p.Leu524Ter; replaces leucine 524 with a stop codon.
Molecular consequence: nonsense.
Genome position (GRCh38, 1-based): chr3:43,555,375, A>C on the plus strand (T>G on the coding strand, the complement: ANO10 is on the minus strand). VCF-style: chr3-43555375-A-C. GRCh37 (hg19) VCF-style: chr3-43596867-A-C.
Other names: c.1571T>G, p.Leu524Ter (NM_001204831.3, NM_001346463.2, NM_001346464.2 and 3 more transcripts); c.1373T>G, p.Leu458Ter (NM_001204832.3, NM_001346466.2, NM_001346469.2); c.1238T>G, p.Leu413Ter (NM_001204833.3); c.1001T>G, p.Leu334Ter (NM_001204834.3); short protein forms L334*, L413*, L458*, L524*.
Identifiers: ClinVar variation 5012984 (VCV005012984.1).

ClinVar aggregate classification (germline): Pathogenic (1 of 4 stars; one submission).

Conditions:
Autosomal recessive spinocerebellar ataxia 10. Identifiers: Orphanet 284289, MedGen C3150998, MONDO:0013392, OMIM 613728.

gnomAD v4.1: 8 of 1,614,204 alleles (0.0005%); highest among the groups gnomAD compares: Non-Finnish European, 0.00068%; no homozygotes.

Submission:

Myriad Genetics, Inc.
Classification: Pathogenic for Autosomal recessive spinocerebellar ataxia 10. Last evaluated: 2024-05-01. Review status: criteria provided, single submitter. Criteria: Myriad Autosomal Dominant, Autosomal Recessive and X-Linked Classification Criteria (2023). Collection method: clinical testing. Allele origin: unknown.
Comment: NM_018075.3(ANO10):c.1571T>G(L524*) is expected to be pathogenic in the context of spinocerebellar ataxia, ANO10-related. This variant is predicted to lead to an abnormal or absent protein product due to the creation of a premature termination codon in ANO10, a gene where loss-of-function variants are known to be pathogenic. Please note: this variant was assessed in the context of healthy population screening.